The following is an entry in ClinVar:

ClinVar aggregate classification (germline): Uncertain significance (1 of 4 stars; one submission).

Submission:

Labcorp Genetics (formerly Invitae), Labcorp
Classification: Uncertain significance. Last evaluated: 2022-08-16. Review status: criteria provided, single submitter. Criteria: Invitae Variant Classification Sherloc (09022015). Collection method: clinical testing. Allele origin: germline.
Comment: In summary, the available evidence is currently insufficient to determine the role of this variant in disease. Therefore, it has been classified as a Variant of Uncertain Significance. Algorithms developed to predict the effect of sequence changes on RNA splicing suggest that this variant may create or strengthen a splice site. Algorithms developed to predict the effect of missense changes on protein structure and function are either unavailable or do not agree on the potential impact of this missense change (SIFT: "Tolerated"; PolyPhen-2: "Probably Damaging"; Align-GVGD: "Class C0"). ClinVar contains an entry for this variant (Variation ID: 1015256). This variant has not been reported in the literature in individuals affected with GALNT3-related conditions. This variant is not present in population databases (gnomAD no frequency). This sequence change replaces isoleucine, which is neutral and non-polar, with valine, which is neutral and non-polar, at codon 82 of the GALNT3 protein (p.Ile82Val).

NM_004482.4(GALNT3):c.244A>G (p.Ile82Val)

Gene: GALNT3 (polypeptide N-acetylgalactosaminyltransferase 3; minus strand). Cytogenetic location: 2q24.3.
Variant type: single nucleotide variant.
Coding change: c.244A>G on transcript NM_004482.4 (MANE Select); coding-DNA position 244, A replaced by G.
Protein change: p.Ile82Val; replaces isoleucine 82 with valine.
Molecular consequence: missense variant.
Genome position (GRCh38, 1-based): chr2:165,770,457, T>C on the plus strand (A>G on the coding strand, the complement: GALNT3 is on the minus strand). VCF-style: chr2-165770457-T-C. GRCh37 (hg19) VCF-style: chr2-166626967-T-C.
Other names: short protein forms I82V.
Identifiers: ClinVar variation 1015256 (VCV001015256.8), dbSNP rs1688730742, ClinGen allele CA349044033.
Genomic context (GRCh38, chr2:165,770,457, plus strand): 5'-AATATCCTTGCAAACAAGGTCTCTCACCAGCATCAATGTTTTGCCTGACAGGTGCTCCTA[T>C]TTGCATTTTTGGCATGGCATCCTTAATATTGTTTACAGCTTCTAGCATTAAATCCAACAT-3'
Protein context (NP_004473.2, residues 72-92): NIKDAMPKMQ[Ile82Val]GAPVRQNIDA